The following is an entry in ClinVar:

NM_153676.4(USH1C):c.238C>T (p.Arg80Trp)

Gene: USH1C (USH1 protein network component harmonin; minus strand). Cytogenetic location: 11p15.1.
Variant type: single nucleotide variant.
Coding change: c.238C>T on transcript NM_153676.4 (MANE Select); coding-DNA position 238, C replaced by T.
Protein change: p.Arg80Trp; replaces arginine 80 with tryptophan.
Molecular consequence: missense variant. On other transcripts: non-coding transcript variant (1).
Genome position (GRCh38, 1-based): chr11:17,531,409, G>A on the plus strand (C>T on the coding strand, the complement: USH1C is on the minus strand). VCF-style: chr11-17531409-G-A. GRCh37 (hg19) VCF-style: chr11-17552956-G-A.
Other names: c.238C>T, p.Arg80Trp (NM_001297764.2, NM_005709.4); c.238C>T (NM_005709.3); short protein forms R80W.
Identifiers: ClinVar variation 1009505 (VCV001009505.6), dbSNP rs774005703, ClinGen allele CA5905135.
Genomic context (GRCh38, chr11:17,531,409, plus strand): 5'-CAGGGTGATCTCTCCACCCCCTGCCTCCAGCCTGGTGGCTTCCTCTGCACCTGGAGCGCC[G>A]GGGGGTCAGCTGATCATATTCCACCTGGTGCTTCAGTGGGATCAGCGGCCGAATGGCATC-3'
Protein context (NP_710142.1, residues 70-90): HQVEYDQLTP[Arg80Trp]RSRKLKEVRL

ClinVar aggregate classification (germline): Uncertain significance. Review status: criteria provided, multiple submitters, no conflicts (2 of 4 stars). 3 submissions from 3 submitters: Uncertain significance (2). 1 of the submissions does not count toward it. Last evaluated 2023-05-31.

Conditions:
Usher syndrome type 1C. Also called: USHER SYNDROME, TYPE I, ACADIAN VARIETY. Identifiers: Orphanet 231169, Orphanet 886, MedGen C1848604, MONDO:0010171, OMIM 276904.

Allele frequency attached by ClinVar (database versions not stated): ExAC 0.00003; TOPMed 0.00006.
gnomAD v4.1: 17 of 1,613,422 alleles (0.0011%); highest among the groups gnomAD compares: African/African-American, 0.012%; no homozygotes.

Submissions (3):

GeneDx
Classification: Uncertain significance. Last evaluated: 2023-05-31. Review status: criteria provided, single submitter. Criteria: GeneDx Variant Classification Process June 2021. Collection method: clinical testing. Allele origin: germline. Affected: yes.
Comment: In silico analysis supports that this missense variant has a deleterious effect on protein structure/function; Has not been previously published as pathogenic or benign to our knowledge

Labcorp Genetics (formerly Invitae), Labcorp
Classification: Uncertain significance. Last evaluated: 2022-03-10. Review status: criteria provided, single submitter. Criteria: Invitae Variant Classification Sherloc (09022015). Collection method: clinical testing. Allele origin: germline.
Comment: This sequence change replaces arginine, which is basic and polar, with tryptophan, which is neutral and slightly polar, at codon 80 of the USH1C protein (p.Arg80Trp). This variant is present in population databases (rs774005703, gnomAD 0.05%). This variant has not been reported in the literature in individuals affected with USH1C-related conditions. ClinVar contains an entry for this variant (Variation ID: 1009505). Algorithms developed to predict the effect of missense changes on protein structure and function are either unavailable or do not agree on the potential impact of this missense change (SIFT: "Deleterious"; PolyPhen-2: "Possibly Damaging"; Align-GVGD: "Class C15"). In summary, the available evidence is currently insufficient to determine the role of this variant in disease. Therefore, it has been classified as a Variant of Uncertain Significance.

Natera, Inc.
Classification: Uncertain significance for Usher syndrome type 1C. Last evaluated: 2020-02-21. Review status: no assertion criteria provided. Collection method: clinical testing. Allele origin: germline. Not counted in ClinVar's aggregate classification.